The following is an entry in ClinVar:

ClinVar aggregate classification (germline): Uncertain significance (1 of 4 stars; one submission).

Allele frequency attached by ClinVar (database versions not stated): gnomAD 0.00001; gnomAD exomes 0.00001; TOPMed 0.00001.
gnomAD v4.1: 4 of 1,612,132 alleles (0.00025%); highest among the groups gnomAD compares: Admixed American, 0.005%; no homozygotes.

Submission:

Labcorp Genetics (formerly Invitae), Labcorp
Classification: Uncertain significance. Last evaluated: 2022-05-01. Review status: criteria provided, single submitter. Criteria: Invitae Variant Classification Sherloc (09022015). Collection method: clinical testing. Allele origin: germline.
Comment: This sequence change replaces glycine, which is neutral and non-polar, with arginine, which is basic and polar, at codon 134 of the OSTM1 protein (p.Gly134Arg). This variant is present in population databases (no rsID available, gnomAD 0.009%). This variant has not been reported in the literature in individuals affected with OSTM1-related conditions. Algorithms developed to predict the effect of missense changes on protein structure and function output the following: SIFT: "Tolerated"; PolyPhen-2: "Benign"; Align-GVGD: "Class C0". The arginine amino acid residue is found in multiple mammalian species, which suggests that this missense change does not adversely affect protein function. Algorithms developed to predict the effect of sequence changes on RNA splicing suggest that this variant may disrupt the consensus splice site. In summary, the available evidence is currently insufficient to determine the role of this variant in disease. Therefore, it has been classified as a Variant of Uncertain Significance.

NM_014028.4(OSTM1):c.400G>A (p.Gly134Arg)

Gene: OSTM1 (osteoclastogenesis associated transmembrane protein 1; minus strand). Cytogenetic location: 6q21.
Variant type: single nucleotide variant.
Coding change: c.400G>A on transcript NM_014028.4 (MANE Select); coding-DNA position 400, G replaced by A.
Protein change: p.Gly134Arg; replaces glycine 134 with arginine.
Molecular consequence: missense variant.
Genome position (GRCh38, 1-based): chr6:108,074,252, C>T on the plus strand (G>A on the coding strand, the complement: OSTM1 is on the minus strand). VCF-style: chr6-108074252-C-T. GRCh37 (hg19) VCF-style: chr6-108395456-C-T.
Other names: short protein forms G134R.
Identifiers: ClinVar variation 2192682 (VCV002192682.1), dbSNP rs1488282026, ClinGen allele CA365330138.